The following is an entry in ClinVar:

ClinVar aggregate classification (germline): Likely benign. Review status: criteria provided, multiple submitters, no conflicts (2 of 4 stars). 3 submissions from 3 submitters: Likely benign (3). Last evaluated 2025-12-01.

Conditions:
Primary ciliary dyskinesia. Also called: Ciliary dyskinesia. Identifiers: Orphanet 244, MedGen C0008780, MONDO:0016575, HP:0012265.

Allele frequency attached by ClinVar (database versions not stated): TOPMed 0.00012; gnomAD 0.00014; gnomAD exomes 0.00027; 1000 Genomes Project 30x 0.00031; ExAC 0.00111.
gnomAD v4.1: 277 of 1,334,980 alleles (0.021%); highest among the groups gnomAD compares: Middle Eastern, 0.11%; no homozygotes.

Submissions (3):

Labcorp Genetics (formerly Invitae), Labcorp
Classification: Likely benign for Primary ciliary dyskinesia. Last evaluated: 2025-12-01. Review status: criteria provided, single submitter. Criteria: Invitae Variant Classification Sherloc (09022015). Collection method: clinical testing. Allele origin: germline.

CeGaT Center for Human Genetics Tuebingen
Classification: Likely benign. Last evaluated: 2023-05-01. Review status: criteria provided, single submitter. Criteria: CeGaT Center For Human Genetics Tuebingen Variant Classification Criteria Version 2. Collection method: clinical testing. Allele origin: germline. Affected: yes. Observed: 1 variant allele.
Comment: DNAAF5: BP4, BP7

Breakthrough Genomics
Classification: Likely benign. Review status: criteria provided, single submitter. Criteria: ACMG Guidelines, 2015. Collection method: not provided. Allele origin: germline. Inheritance: Autosomal recessive inheritance. Affected: yes.

NM_017802.4(DNAAF5):c.456C>G (p.Ala152=)

Genes: DNAAF5 (dynein axonemal assembly factor 5; plus strand), PRKAR1B (protein kinase cAMP-dependent type I regulatory subunit beta; minus strand). Cytogenetic location: 7p22.3.
Variant type: single nucleotide variant.
Coding change: c.456C>G on transcript NM_017802.4 (MANE Select); coding-DNA position 456, C replaced by G.
Protein change: p.Ala152=; no amino-acid change (alanine 152 retained).
Molecular consequence: synonymous variant. On other transcripts: non-coding transcript variant (1), intron variant (3).
Genome position (GRCh38, 1-based): chr7:727,176, C>G. VCF-style: chr7-727176-C-G. GRCh37 (hg19) VCF-style: chr7-766813-C-G.
Other names: c.-23+479G>C (NM_001164759.1); c.-23+414G>C (NM_001164758.2); c.-23+34G>C (NM_001164760.2).
Identifiers: ClinVar variation 416086 (VCV000416086.35), dbSNP rs769656987, ClinGen allele CA4110358.